The following is an entry in ClinVar:

NM_198576.4(AGRN):c.962A>G (p.Gln321Arg)

Gene: AGRN (agrin; plus strand). Cytogenetic location: 1p36.33.
Variant type: single nucleotide variant.
Coding change: c.962A>G on transcript NM_198576.4 (MANE Select); coding-DNA position 962, A replaced by G.
Protein change: p.Gln321Arg; replaces glutamine 321 with arginine.
Molecular consequence: missense variant.
Genome position (GRCh38, 1-based): chr1:1,041,487, A>G. VCF-style: chr1-1041487-A-G. GRCh37 (hg19) VCF-style: chr1-976867-A-G.
Other names: c.962A>G, p.Gln321Arg (NM_001305275.2); c.647A>G, p.Gln216Arg (NM_001364727.2); short protein forms Q216R, Q321R.
Identifiers: ClinVar variation 2113026 (VCV002113026.4), dbSNP rs1375092528, ClinGen allele CA337825574.

ClinVar aggregate classification (germline): Uncertain significance (1 of 4 stars; one submission).

Conditions:
Congenital myasthenic syndrome 8. Also called: Myasthenic syndrome, congenital, 8, with pre- and postsynaptic defects; MYASTHENIC SYNDROME, CONGENITAL, DUE TO AGRIN DEFICIENCY. Identifiers: Orphanet 590, MedGen C3808739, MONDO:0014052, OMIM 615120.

gnomAD v4.1: 1 of 1,593,714 alleles (0.000063%); highest among the groups gnomAD compares: Admixed American, 0.0017%; no homozygotes.

Submission:

Labcorp Genetics (formerly Invitae), Labcorp
Classification: Uncertain significance for Congenital myasthenic syndrome 8. Last evaluated: 2022-03-16. Review status: criteria provided, single submitter. Criteria: Invitae Variant Classification Sherloc (09022015). Collection method: clinical testing. Allele origin: germline.
Comment: This sequence change replaces glutamine, which is neutral and polar, with arginine, which is basic and polar, at codon 321 of the AGRN protein (p.Gln321Arg). The frequency data for this variant in the population databases is considered unreliable, as metrics indicate poor data quality at this position in the gnomAD database. This variant has not been reported in the literature in individuals affected with AGRN-related conditions. Algorithms developed to predict the effect of missense changes on protein structure and function (SIFT, PolyPhen-2, Align-GVGD) all suggest that this variant is likely to be tolerated. In summary, the available evidence is currently insufficient to determine the role of this variant in disease. Therefore, it has been classified as a Variant of Uncertain Significance.